The following is an entry in ClinVar:

ClinVar aggregate classification (germline): Likely benign. Review status: criteria provided, multiple submitters, no conflicts (2 of 4 stars). 5 submissions from 5 submitters: Likely benign (5). Last evaluated 2025-01-07.

Conditions:
Breast-ovarian cancer, familial, susceptibility to, 1 (BROVCA1). Also called: BRCA1 Hereditary Breast and Ovarian Cancer; OVARIAN CANCER, SUSCEPTIBILITY TO. Identifiers: Orphanet 145, MedGen C2676676, MONDO:0011450, OMIM 604370. Disease mechanism: loss of function.
Hereditary cancer-predisposing syndrome. Also called: Neoplastic Syndromes, Hereditary; Hereditary neoplastic syndrome; Hereditary Cancer Syndrome; Tumor predisposition. Identifiers: Orphanet 140162, MedGen C0027672, MeSH D009386, MONDO:0015356.
Hereditary breast ovarian cancer syndrome. Also called: Hereditary breast and ovarian cancer syndrome; Breast and ovarian cancer; Hereditary breast and ovarian cancer syndrome (HBOC); Hereditary breast and/or ovarian cancer syndrome; BRCA1- and BRCA2-Associated Hereditary Breast and Ovarian Cancer; Hereditary breast and ovarian cancer. Identifiers: Orphanet 145, MedGen C0677776, MeSH D061325, MONDO:0003582. Disease mechanism: loss of function.

Submissions (5):

Labcorp Genetics (formerly Invitae), Labcorp
Classification: Likely benign for Hereditary breast ovarian cancer syndrome. Last evaluated: 2025-01-07. Review status: criteria provided, single submitter. Criteria: Invitae Variant Classification Sherloc (09022015). Collection method: clinical testing. Allele origin: germline.

All of Us Research Program, National Institutes of Health
Classification: Likely benign for Breast-ovarian cancer, familial, susceptibility to, 1. Last evaluated: 2023-06-28. Review status: criteria provided, single submitter. Criteria: ACMG Guidelines, 2015. Collection method: clinical testing. Allele origin: germline. Inheritance: Autosomal dominant inheritance. Observed: 1 variant allele, 1 heterozygote.
Comment: This study involves interpretation of variants in research participants for the purpose of population health screening. Participant phenotype was not available at the time of variant classification. Additional details can be found in publication PMID: 35346344, PMCID: PMC8962531

Color Diagnostics, LLC DBA Color Health
Classification: Likely benign for Hereditary cancer-predisposing syndrome. Last evaluated: 2018-08-14. Review status: criteria provided, single submitter. Criteria: ACMG Guidelines, 2015. Collection method: clinical testing. Allele origin: germline.

GeneDx
Classification: Likely benign. Last evaluated: 2018-02-19. Review status: criteria provided, single submitter. Criteria: GeneDx Variant Classification (06012015). Collection method: clinical testing. Allele origin: germline. Affected: yes.
Comment: This variant is considered likely benign or benign based on one or more of the following criteria: it is a conservative change, it occurs at a poorly conserved position in the protein, it is predicted to be benign by multiple in silico algorithms, and/or has population frequency not consistent with disease.

Ambry Genetics
Classification: Likely benign for Hereditary cancer-predisposing syndrome. Last evaluated: 2017-05-17. Review status: criteria provided, single submitter. Criteria: Ambry Variant Classification Scheme 2023. Collection method: clinical testing. Allele origin: germline.

NM_007294.4(BRCA1):c.4323C>T (p.Asp1441=)

Gene: BRCA1 (BRCA1 DNA repair associated; minus strand). Cytogenetic location: 17q21.31.
Variant type: single nucleotide variant.
Coding change: c.4323C>T on transcript NM_007294.4 (MANE Select); coding-DNA position 4323, C replaced by T.
Protein change: p.Asp1441=; no amino-acid change (aspartic acid 1441 retained).
Molecular consequence: synonymous variant.
Genome position (GRCh38, 1-based): chr17:43,082,438, G>A on the plus strand (C>T on the coding strand, the complement: BRCA1 is on the minus strand). VCF-style: chr17-43082438-G-A. GRCh37 (hg19) VCF-style: chr17-41234455-G-A.
Other names: c.747C>T, p.Asp249= (NM_001408504.1, NM_001408505.1, NM_001408503.1); c.687C>T, p.Asp229= (NM_001408506.1); c.684C>T, p.Asp228= (NM_001408507.1); c.675C>T, p.Asp225= (NM_001408508.1, NM_001408509.1); c.633C>T, p.Asp211= (NM_001408510.1); c.630C>T, p.Asp210= (NM_001408511.1); c.510C>T, p.Asp170= (NM_001408512.1); c.801C>T, p.Asp267= (NM_001408513.1, NM_001408489.1, NM_001408490.1 and 3 more transcripts); and 51 more.
Identifiers: ClinVar variation 388613 (VCV000388613.20), dbSNP rs1057523168, ClinGen allele CA16607611.